The following is an entry in ClinVar:

NM_000278.5(PAX2):c.616+12G>A

Gene: PAX2 (paired box 2; plus strand). Cytogenetic location: 10q24.31.
Variant type: single nucleotide variant.
Coding change: c.616+12G>A on transcript NM_000278.5 (MANE Select); 12 bases into the intron after coding-DNA position 616, G replaced by A.
Molecular consequence: intron variant.
Genome position (GRCh38, 1-based): chr10:100,781,377, G>A. VCF-style: chr10-100781377-G-A. GRCh37 (hg19) VCF-style: chr10-102541134-G-A.
Other names: c.709+12G>A (NM_001304569.2); c.616+12G>A (NM_003987.5, NM_003990.5, NM_003988.5 and 1 more transcripts).
Identifiers: ClinVar variation 515521 (VCV000515521.1), dbSNP rs923728511, ClinGen allele CA658797529.

ClinVar aggregate classification (germline): Likely benign (1 of 4 stars; one submission).

Allele frequency attached by ClinVar (database versions not stated): gnomAD exomes below 0.00001.
gnomAD v4.1: 1 of 1,614,000 alleles (0.000062%); highest among the groups gnomAD compares: Non-Finnish European, 0.000085%; no homozygotes.

Submission:

GeneDx
Classification: Likely benign. Last evaluated: 2018-02-08. Review status: criteria provided, single submitter. Criteria: GeneDx Variant Classification (06012015). Collection method: clinical testing. Allele origin: germline. Affected: yes.
Comment: This variant is considered likely benign or benign based on one or more of the following criteria: it is a conservative change, it occurs at a poorly conserved position in the protein, it is predicted to be benign by multiple in silico algorithms, and/or has population frequency not consistent with disease.